The following is an entry in ClinVar:

NM_020320.5(RARS2):c.1587-10C>G

Gene: RARS2 (arginyl-tRNA synthetase 2, mitochondrial; minus strand). Cytogenetic location: 6q15.
Variant type: single nucleotide variant.
Coding change: c.1587-10C>G on transcript NM_020320.5 (MANE Select); 10 bases into the intron before coding-DNA position 1587, C replaced by G.
Molecular consequence: intron variant.
Genome position (GRCh38, 1-based): chr6:87,515,030, G>C on the plus strand (C>G on the coding strand, the complement: RARS2 is on the minus strand). VCF-style: chr6-87515030-G-C. GRCh37 (hg19) VCF-style: chr6-88224748-G-C.
Other names: c.1587-10C>G (NM_001350505.2); c.1062-10C>G (NM_001350509.2, NM_001318785.2, NM_001350506.2 and 4 more transcripts).
Identifiers: ClinVar variation 681166 (VCV000681166.11), dbSNP rs531179961, ClinGen allele CA3916196.
Genomic context (GRCh38, chr6:87,515,030, plus strand): 5'-GGAGGACTATCTTTTATTTGTAGTGTTTTGTGTGCCACAGCTGCAAGATGACTGAAACAG[G>C]AAGAGAGAAATCACGATAGTACCAGCAGTAATTTCCTGTTGTAAGATATGAGCTTGATAT-3'

ClinVar aggregate classification (germline): Likely benign. Review status: criteria provided, multiple submitters, no conflicts (2 of 4 stars). 3 submissions from 3 submitters: Likely benign (2). 1 of the submissions does not count toward it. Last evaluated 2024-02-29.

Conditions:
Pontocerebellar hypoplasia type 6 (PCH6). Identifiers: Orphanet 166073, MedGen C1969084, MONDO:0012683, OMIM 611523.

Allele frequency attached by ClinVar (database versions not stated): ExAC 0.00004; 1000 Genomes Project 30x 0.00016; 1000 Genomes Project 0.00020.
gnomAD v4.1: 29 of 1,607,236 alleles (0.0018%); highest among the groups gnomAD compares: South Asian, 0.03%; 1 homozygote.

Submissions (3):

Labcorp Genetics (formerly Invitae), Labcorp
Classification: Likely benign. Last evaluated: 2024-02-29. Review status: criteria provided, single submitter. Criteria: Invitae Variant Classification Sherloc (09022015). Collection method: clinical testing. Allele origin: germline.

GeneDx
Classification: Likely benign. Last evaluated: 2018-03-23. Review status: criteria provided, single submitter. Criteria: GeneDx Variant Classification (06012015). Collection method: clinical testing. Allele origin: germline. Affected: yes.
Comment: This variant is considered likely benign or benign based on one or more of the following criteria: it is a conservative change, it occurs at a poorly conserved position in the protein, it is predicted to be benign by multiple in silico algorithms, and/or has population frequency not consistent with disease.

Natera, Inc.
Classification: Likely benign for Pontocerebellar hypoplasia, type 6. Last evaluated: 2020-11-24. Review status: no assertion criteria provided. Collection method: clinical testing. Allele origin: germline. Not counted in ClinVar's aggregate classification.